The following is an entry in ClinVar:

NM_000075.4(CDK4):c.416G>A (p.Arg139Gln)

Gene: CDK4 (cyclin dependent kinase 4; minus strand). Cytogenetic location: 12q14.1.
Variant type: single nucleotide variant.
Coding change: c.416G>A on transcript NM_000075.4 (MANE Select); coding-DNA position 416, G replaced by A.
Protein change: p.Arg139Gln; replaces arginine 139 with glutamine.
Molecular consequence: missense variant.
Genome position (GRCh38, 1-based): chr12:57,751,029, C>T on the plus strand (G>A on the coding strand, the complement: CDK4 is on the minus strand). VCF-style: chr12-57751029-C-T. GRCh37 (hg19) VCF-style: chr12-58144812-C-T.
Other names: short protein forms R139Q.
Identifiers: ClinVar variation 483289 (VCV000483289.22), dbSNP rs763652580, ClinGen allele CA6657806.

ClinVar aggregate classification (germline): Uncertain significance. Review status: criteria provided, multiple submitters, no conflicts (2 of 4 stars). 4 submissions from 4 submitters: Uncertain significance (4). Last evaluated 2025-08-02.

Conditions:
Familial melanoma. Also called: Hereditary melanoma; Hereditary cutaneous melanoma. Identifiers: Orphanet 618, MedGen C1512419, MONDO:0018961.
Melanoma, cutaneous malignant, susceptibility to, 3. Also called: Cutaneous malignant melanoma 3. Identifiers: Orphanet 618, MedGen C1836892, MONDO:0012183, OMIM 609048.
Hereditary cancer-predisposing syndrome. Also called: Neoplastic Syndromes, Hereditary; Tumor predisposition; Hereditary Cancer Syndrome; Hereditary neoplastic syndrome. Identifiers: Orphanet 140162, MedGen C0027672, MeSH D009386, MONDO:0015356.

Allele frequency attached by ClinVar (database versions not stated): ExAC 0.00001; gnomAD 0.00001; gnomAD exomes 0.00001 and 0.00004; TOPMed 0.00001.

Submissions (4):

Ambry Genetics
Classification: Uncertain significance for Hereditary cancer-predisposing syndrome. Last evaluated: 2025-08-02. Review status: criteria provided, single submitter. Criteria: Ambry Variant Classification Scheme 2023. Collection method: clinical testing. Allele origin: germline.
Comment: The p.R139Q variant (also known as c.416G>A), located in coding exon 3 of the CDK4 gene, results from a G to A substitution at nucleotide position 416. The arginine at codon 139 is replaced by glutamine, an amino acid with highly similar properties. This amino acid position is highly conserved in available vertebrate species. In addition, this alteration is predicted to be deleterious by in silico analysis. Since supporting evidence is limited at this time, the clinical significance of this alteration remains unclear.

Labcorp Genetics (formerly Invitae), Labcorp
Classification: Uncertain significance for Familial melanoma. Last evaluated: 2025-06-27. Review status: criteria provided, single submitter. Criteria: Invitae Variant Classification Sherloc (09022015). Collection method: clinical testing. Allele origin: germline.
Comment: This sequence change replaces arginine, which is basic and polar, with glutamine, which is neutral and polar, at codon 139 of the CDK4 protein (p.Arg139Gln). This variant is present in population databases (rs763652580, gnomAD 0.003%). This variant has not been reported in the literature in individuals affected with CDK4-related conditions. ClinVar contains an entry for this variant (Variation ID: 483289). Invitae Evidence Modeling of protein sequence and biophysical properties (such as structural, functional, and spatial information, amino acid conservation, physicochemical variation, residue mobility, and thermodynamic stability) indicates that this missense variant is expected to disrupt CDK4 protein function with a positive predictive value of 95%. In summary, the available evidence is currently insufficient to determine the role of this variant in disease. Therefore, it has been classified as a Variant of Uncertain Significance.

Quest Diagnostics Nichols Institute San Juan Capistrano
Classification: Uncertain significance. Last evaluated: 2025-02-21. Review status: criteria provided, single submitter. Criteria: Quest Diagnostics criteria. Collection method: clinical testing. Allele origin: unknown.
Comment: The CDK4 c.416G>A (p.Arg139Gln) variant has not been reported in individuals with CDK4-related conditions in the published literature. The frequency of this variant in the general population (Genome Aggregation Database) is uninformative in the assessment of its pathogenicity. Analysis of this variant using bioinformatics tools for the prediction of the effect of amino acid changes on protein structure and function yielded conflicting predictions that this variant is benign or damaging. Based on the available information, we are unable to determine the clinical significance of this variant.

Illumina Laboratory Services, Illumina
Classification: Uncertain significance for Melanoma, cutaneous malignant, susceptibility to, 3. Last evaluated: 2017-04-28. Review status: criteria provided, single submitter. Criteria: ICSL Variant Classification Criteria 13 December 2019. Collection method: clinical testing. Allele origin: germline.